The following is an entry in ClinVar:

ClinVar aggregate classification (germline): Conflicting classifications of pathogenicity. Review status: criteria provided, conflicting classifications (1 of 4 stars). 5 submissions from 5 submitters: Pathogenic (1); Likely pathogenic (1); Uncertain significance (1). 2 of the submissions do not count toward it. Last evaluated 2025-06-30.

Conditions:
Severe early-childhood-onset retinal dystrophy (STGD1). Also called: MACULAR DYSTROPHY WITH FLECKS, TYPE 1; STGD; Stargardt disease 1; Stargardt macular dystrophy; Juvenile onset macular degeneration. Identifiers: Orphanet 364055, Orphanet 827, MedGen C1855465, MeSH D000080362, MONDO:0009549, OMIM 248200.

Allele frequency attached by ClinVar (database versions not stated): gnomAD exomes 0.00002 and below 0.00001.
gnomAD v4.1: 23 of 1,614,204 alleles (0.0014%); highest among the groups gnomAD compares: Non-Finnish European, 0.0019%; no homozygotes.

Submissions (5):

Variantyx, Inc.
Classification: Likely pathogenic for Severe early-childhood-onset retinal dystrophy. Last evaluated: 2025-06-30. Review status: criteria provided, single submitter. Criteria: Variantyx Assertion Criteria 2022. Collection method: clinical testing. Allele origin: germline. Inheritance: Autosomal recessive inheritance.
Comment: This is a nonsynonymous variant in the ABCA4 gene (OMIM: 601691). Pathogenic variants in this gene have been associated with autosomal recessive Stargardt disease 1. This variant has been identified in the homozygous or compound heterozygous state in at least one individual reported in the published literature (PMID: 32913387, 38219857) (PM3). and it has been observed to segregate with disease in at least two individuals from one family (PMID: 32913387). This variant lies within a known hotspot for pathogenic variants or a well-established critical functional domain of the ABCA4 protein (PMID: 22661472, 23419329, 23982839, 28118664, 29925512) (PM1). Multiple computational algorithms predict a deleterious effect for this variant (REVEL score: 0.912) (PP3). It has a 0.0020% maximum allele frequency in non-founder control populations (PM2). Based on the current evidence, this variant is classified as likely pathogenic for autosomal recessive Stargardt disease 1.

Labcorp Genetics (formerly Invitae), Labcorp
Classification: Pathogenic. Last evaluated: 2024-03-13. Review status: criteria provided, single submitter. Criteria: Invitae Variant Classification Sherloc (09022015). Collection method: clinical testing. Allele origin: germline.
Comment: This sequence change replaces phenylalanine, which is neutral and non-polar, with serine, which is neutral and polar, at codon 1440 of the ABCA4 protein (p.Phe1440Ser). This variant is present in population databases (rs61750141, gnomAD 0.003%). This missense change has been observed in individual(s) with Stargardt disease (PMID: 9973280, 11328725, 15161829, 28041643, 32581362). ClinVar contains an entry for this variant (Variation ID: 99277). Advanced modeling of protein sequence and biophysical properties (such as structural, functional, and spatial information, amino acid conservation, physicochemical variation, residue mobility, and thermodynamic stability) performed at Invitae indicates that this missense variant is expected to disrupt ABCA4 protein function with a positive predictive value of 95%. This variant disrupts the p.Phe1440 amino acid residue in ABCA4. Other variant(s) that disrupt this residue have been determined to be pathogenic (PMID: 10958763). This suggests that this residue is clinically significant, and that variants that disrupt this residue are likely to be disease-causing. For these reasons, this variant has been classified as Pathogenic.

Blueprint Genetics
Classification: Uncertain significance. Last evaluated: 2021-10-18. Review status: criteria provided, single submitter. Criteria: ACMG Guidelines, 2015. Collection method: clinical testing. Allele origin: germline.

NIHR Bioresource Rare Diseases, University of Cambridge
Classification: Likely pathogenic. Last evaluated: 2015-01-01. Review status: no assertion criteria provided. Collection method: research. Allele origin: unknown. Affected: yes. Observed: 1 variant allele. Not counted in ClinVar's aggregate classification.

Retina International
No classification provided. Review status: no classification provided. Collection method: not provided. Allele origin: not provided. Not counted in ClinVar's aggregate classification.

Literature cited by the submitters: PubMed 22661472 (cited by Variantyx, Inc.); PubMed 23419329 (cited by Variantyx, Inc.); PubMed 23982839 (cited by Variantyx, Inc.); PubMed 28118664 (cited by Variantyx, Inc.); PubMed 29925512 (cited by Variantyx, Inc.); PubMed 32913387 (cited by Variantyx, Inc.); PubMed 38219857 (cited by Variantyx, Inc.); PubMed 9973280 (cited by Labcorp Genetics (formerly Invitae), Labcorp and NIHR Bioresource Rare Diseases, University of Cambridge); PubMed 11328725 (cited by Labcorp Genetics (formerly Invitae), Labcorp); PubMed 15161829 (cited by Labcorp Genetics (formerly Invitae), Labcorp); PubMed 28041643 (cited by Labcorp Genetics (formerly Invitae), Labcorp and NIHR Bioresource Rare Diseases, University of Cambridge); PubMed 32581362 (cited by Labcorp Genetics (formerly Invitae), Labcorp); PubMed 10958763 (cited by Labcorp Genetics (formerly Invitae), Labcorp).

NM_000350.3(ABCA4):c.4319T>C (p.Phe1440Ser)

Gene: ABCA4 (ATP binding cassette subfamily A member 4; minus strand). Cytogenetic location: 1p22.1.
Variant type: single nucleotide variant.
Coding change: c.4319T>C on transcript NM_000350.3 (MANE Select); coding-DNA position 4319, T replaced by C.
Protein change: p.Phe1440Ser; replaces phenylalanine 1440 with serine.
Molecular consequence: missense variant.
Genome position (GRCh38, 1-based): chr1:94,030,461, A>G on the plus strand (T>C on the coding strand, the complement: ABCA4 is on the minus strand). VCF-style: chr1-94030461-A-G. GRCh37 (hg19) VCF-style: chr1-94496017-A-G.
Other names: c.4097T>C, p.Phe1366Ser (NM_001425324.1); short protein forms F1440S, F1366S.
Identifiers: ClinVar variation 99277 (VCV000099277.5), dbSNP rs61750141, ClinGen allele CA227184.